The following is an entry in ClinVar:

NM_006440.5(TXNRD2):c.719T>C (p.Ile240Thr)

Gene: TXNRD2 (thioredoxin reductase 2; minus strand). Cytogenetic location: 22q11.21.
Variant type: single nucleotide variant.
Coding change: c.719T>C on transcript NM_006440.5 (MANE Select); coding-DNA position 719, T replaced by C.
Protein change: p.Ile240Thr; replaces isoleucine 240 with threonine.
Molecular consequence: missense variant. On other transcripts: non-coding transcript variant (1).
Genome position (GRCh38, 1-based): chr22:19,898,094, A>G on the plus strand (T>C on the coding strand, the complement: TXNRD2 is on the minus strand). VCF-style: chr22-19898094-A-G. GRCh37 (hg19) VCF-style: chr22-19885617-A-G.
Other names: c.719T>C, p.Ile240Thr (NM_001282512.3); c.716T>C, p.Ile239Thr (NM_001352300.2); c.629T>C, p.Ile210Thr (NM_001352301.2); c.431T>C, p.Ile144Thr (NM_001352302.2); c.623T>C, p.Ile208Thr (NM_001352303.2); short protein forms I208T, I210T, I239T, I240T, I144T.
Identifiers: ClinVar variation 4194429 (VCV004194429.1).

ClinVar aggregate classification (germline): Uncertain significance (1 of 4 stars; one submission).

Conditions:
Cardiovascular phenotype. Identifiers: MedGen CN230736.

Submission:

Ambry Genetics
Classification: Uncertain significance for Cardiovascular phenotype. Last evaluated: 2025-06-27. Review status: criteria provided, single submitter. Criteria: Ambry Variant Classification Scheme 2023. Collection method: clinical testing. Allele origin: germline.
Comment: The p.I240T variant (also known as c.719T>C), located in coding exon 10 of the TXNRD2 gene, results from a T to C substitution at nucleotide position 719. The isoleucine at codon 240 is replaced by threonine, an amino acid with similar properties. This amino acid position is poorly conserved in available vertebrate species. In addition, this alteration is predicted to be tolerated by in silico analysis. The evidence for this gene-disease relationship is limited; therefore, the clinical significance of this alteration is unclear.